The following is an entry in ClinVar:

ClinVar aggregate classification (germline): Uncertain significance. Review status: criteria provided, multiple submitters, no conflicts (2 of 4 stars). 3 submissions from 3 submitters: Uncertain significance (3). Last evaluated 2026-04-07.

Conditions:
Inborn genetic diseases. Identifiers: MedGen C0950123, MeSH D030342.

Allele frequency attached by ClinVar (database versions not stated): gnomAD exomes 0.00001; gnomAD 0.00004; TOPMed 0.00006.
gnomAD v4.1: 19 of 1,597,614 alleles (0.0012%); highest among the groups gnomAD compares: African/African-American, 0.008%; no homozygotes.

Submissions (3):

Women's Health and Genetics/Laboratory Corporation of America, LabCorp
Classification: Uncertain significance. Last evaluated: 2026-04-07. Review status: criteria provided, single submitter. Criteria: LabCorp Variant Classification Summary - May 2015. Collection method: clinical testing. Allele origin: germline.
Comment: Variant summary: IHH c.58C>G (p.Leu20Val) results in a conservative amino acid change in the encoded protein sequence. Algorithms developed to predict the effect of missense changes on protein structure and function are either unavailable or do not agree on the potential impact of this missense change. The variant allele was found at a frequency of 1.3e-05 in 222980 control chromosomes. The available data on variant occurrences in the general population are insufficient to allow any conclusion about variant significance. To our knowledge, no occurrence of c.58C>G in individuals affected with IHH-related conditions and no experimental evidence demonstrating its impact on protein function have been reported. ClinVar contains an entry for this variant (Variation ID: 1524371). Based on the evidence outlined above, the variant was classified as uncertain significance.

Labcorp Genetics (formerly Invitae), Labcorp
Classification: Uncertain significance. Last evaluated: 2022-01-12. Review status: criteria provided, single submitter. Criteria: Invitae Variant Classification Sherloc (09022015). Collection method: clinical testing. Allele origin: germline.
Comment: In summary, the available evidence is currently insufficient to determine the role of this variant in disease. Therefore, it has been classified as a Variant of Uncertain Significance. Algorithms developed to predict the effect of missense changes on protein structure and function (SIFT, PolyPhen-2, Align-GVGD) all suggest that this variant is likely to be tolerated. This variant has not been reported in the literature in individuals affected with IHH-related conditions. This variant is present in population databases (no rsID available, gnomAD 0.02%). This sequence change replaces leucine, which is neutral and non-polar, with valine, which is neutral and non-polar, at codon 20 of the IHH protein (p.Leu20Val).

Ambry Genetics
Classification: Uncertain significance for Inborn genetic diseases. Last evaluated: 2021-08-12. Review status: criteria provided, single submitter. Criteria: Ambry Variant Classification Scheme 2023. Collection method: clinical testing. Allele origin: germline.

NM_002181.4(IHH):c.58C>G (p.Leu20Val)

Gene: IHH (Indian hedgehog signaling molecule; minus strand). Cytogenetic location: 2q35.
Variant type: single nucleotide variant.
Coding change: c.58C>G on transcript NM_002181.4 (MANE Select); coding-DNA position 58, C replaced by G.
Protein change: p.Leu20Val; replaces leucine 20 with valine.
Molecular consequence: missense variant.
Genome position (GRCh38, 1-based): chr2:219,060,410, G>C on the plus strand (C>G on the coding strand, the complement: IHH is on the minus strand). VCF-style: chr2-219060410-G-C. GRCh37 (hg19) VCF-style: chr2-219925132-G-C.
Other names: c.58C>G (NM_002181.3); short protein forms L20V.
Identifiers: ClinVar variation 1524371 (VCV001524371.8), dbSNP rs1483875270, ClinGen allele CA350637656.